The following is an entry in ClinVar:

ClinVar aggregate classification (germline): Uncertain significance (1 of 4 stars; one submission).

Submission:

GeneDx
Classification: Uncertain significance. Last evaluated: 2023-06-15. Review status: criteria provided, single submitter. Criteria: GeneDx Variant Classification Process June 2021. Collection method: clinical testing. Allele origin: germline. Affected: yes.
Comment: Not observed at significant frequency in large population cohorts (gnomAD); In silico analysis supports that this missense variant has a deleterious effect on protein structure/function; Has not been previously published as pathogenic or benign to our knowledge

NM_000141.5(FGFR2):c.223G>T (p.Asp75Tyr)

Gene: FGFR2 (fibroblast growth factor receptor 2; minus strand). Cytogenetic location: 10q26.13.
Variant type: single nucleotide variant.
Coding change: c.223G>T on transcript NM_000141.5 (MANE Select); coding-DNA position 223, G replaced by T.
Protein change: p.Asp75Tyr; replaces aspartic acid 75 with tyrosine.
Molecular consequence: missense variant. On other transcripts: intron variant (9).
Genome position (GRCh38, 1-based): chr10:121,565,591, C>A on the plus strand (G>T on the coding strand, the complement: FGFR2 is on the minus strand). VCF-style: chr10-121565591-C-A. GRCh37 (hg19) VCF-style: chr10-123325105-C-A.
Other names: c.223G>T, p.Asp75Tyr (NM_001144913.1, NM_001144914.1, NM_001144917.2 and 3 more transcripts); c.110-14132G>T (NM_001144918.2, NM_001441091.1, NM_001441090.1 and 1 more transcripts); c.110-1012G>T (NM_001441089.1, NM_023029.3, NM_001441088.1 and 2 more transcripts); short protein forms D75Y.
Identifiers: ClinVar variation 3359764 (VCV003359764.1).